The following is an entry in ClinVar:

ClinVar aggregate classification (germline): Uncertain significance (1 of 4 stars; one submission).

Conditions:
Immunodeficiency, common variable, 7. Identifiers: Orphanet 1572, Orphanet 696894, MedGen C3542922, MONDO:0013862, OMIM 614699.

gnomAD v4.1: 8 of 1,613,996 alleles (0.0005%); highest among the groups gnomAD compares: Non-Finnish European, 0.00068%; no homozygotes.

Submission:

Labcorp Genetics (formerly Invitae), Labcorp
Classification: Uncertain significance for Immunodeficiency, common variable, 7. Last evaluated: 2026-01-19. Review status: criteria provided, single submitter. Criteria: Invitae Variant Classification Sherloc (09022015). Collection method: clinical testing. Allele origin: germline.
Comment: This sequence change replaces valine, which is neutral and non-polar, with isoleucine, which is neutral and non-polar, at codon 362 of the CR2 protein (p.Val362Ile). This variant is not present in population databases (gnomAD no frequency). This variant has not been reported in the literature in individuals affected with CR2-related conditions. ClinVar contains an entry for this variant (Variation ID: 940812). An algorithm developed to predict the effect of missense changes on protein structure and function outputs the following: PolyPhen-2: "Benign". The isoleucine amino acid residue is found in multiple mammalian species, which suggests that this missense change does not adversely affect protein function. In summary, the available evidence is currently insufficient to determine the role of this variant in disease. Therefore, it has been classified as a Variant of Uncertain Significance.

NM_001006658.3(CR2):c.1084G>A (p.Val362Ile)

Genes: CR2 (complement C3d receptor 2; plus strand), LOC126805994 (BRD4-independent group 4 enhancer GRCh37_chr1:207642622-207643821; plus strand). Cytogenetic location: 1q32.2.
Variant type: single nucleotide variant.
Coding change: c.1084G>A on transcript NM_001006658.3 (MANE Select); coding-DNA position 1084, G replaced by A.
Protein change: p.Val362Ile; replaces valine 362 with isoleucine.
Molecular consequence: missense variant.
Genome position (GRCh38, 1-based): chr1:207,469,961, G>A. VCF-style: chr1-207469961-G-A. GRCh37 (hg19) VCF-style: chr1-207643306-G-A.
Other names: c.1084G>A, p.Val362Ile (NM_001877.5); short protein forms V362I.
Identifiers: ClinVar variation 940812 (VCV000940812.8), dbSNP rs1658218505, ClinGen allele CA344529164.